The following is an entry in ClinVar:

NM_030624.3(KLHL15):c.820C>T (p.Arg274Cys)

Gene: KLHL15 (kelch like family member 15; minus strand). Cytogenetic location: Xp22.11.
Variant type: single nucleotide variant.
Coding change: c.820C>T on transcript NM_030624.3 (MANE Select); coding-DNA position 820, C replaced by T.
Protein change: p.Arg274Cys; replaces arginine 274 with cysteine.
Molecular consequence: missense variant.
Genome position (GRCh38, 1-based): chrX:23,988,916, G>A on the plus strand (C>T on the coding strand, the complement: KLHL15 is on the minus strand). VCF-style: chrX-23988916-G-A. GRCh37 (hg19) VCF-style: chrX-24007033-G-A.
Other names: short protein forms R274C.
Identifiers: ClinVar variation 1028387 (VCV001028387.1), dbSNP rs1195344747, ClinGen allele CA412592860.
Genomic context (GRCh38, chrX:23,988,916, plus strand): 5'-CCATGCTATGTCCAATCATTCCTCGAAATACTGTAGTTTGCGGTTTTGCAGAACGGATGC[G>A]GCTTGACTTCATATCCAACAAAGGCTGCTGGTGAACATTCTGAAAGTAATTCAATGCTTG-3'
Protein context (NP_085127.2, residues 264-284): QQPLLDMKSS[Arg274Cys]IRSAKPQTTV

ClinVar aggregate classification (germline): Uncertain significance (1 of 4 stars; one submission).

Conditions:
Intellectual developmental disorder, X-linked 103. Also called: Intellectual disability, X-linked 103. Identifiers: MedGen C4310818, MONDO:0010508, OMIM 300982.

Allele frequency attached by ClinVar (database versions not stated): gnomAD 0.00001; gnomAD exomes 0.00001 and below 0.00001; TOPMed 0.00002.
gnomAD v4.1: 3 of 1,209,841 alleles (0.00025%); highest among the groups gnomAD compares: African/African-American, 0.0035%; no homozygotes.

Submission:

Baylor Genetics
Classification: Uncertain significance for Intellectual developmental disorder, X-linked 103. Last evaluated: 2020-04-12. Review status: criteria provided, single submitter. Criteria: ACMG Guidelines, 2015. Collection method: clinical testing. Allele origin: unknown. Affected: yes.
Comment: This variant was determined to be of uncertain significance according to ACMG Guidelines, 2015 [PMID:25741868].